The following is an entry in ClinVar:

ClinVar aggregate classification (germline): Conflicting classifications of pathogenicity. Review status: criteria provided, conflicting classifications (1 of 4 stars). 4 submissions from 4 submitters: Uncertain significance (1); Likely benign (2). 1 of the submissions does not count toward it. Last evaluated 2024-05-21.

Conditions:
MAGEL2-related disorder. Also called: MAGEL2-related condition.
Inborn genetic diseases. Identifiers: MedGen C0950123, MeSH D030342.

Allele frequency attached by ClinVar (database versions not stated): gnomAD exomes 0.00001; ExAC 0.00002; gnomAD 0.00006; TOPMed 0.00006; ESP Exome Variant Server 0.00015.

Submissions (4):

Labcorp Genetics (formerly Invitae), Labcorp
Classification: Uncertain significance. Last evaluated: 2024-05-21. Review status: criteria provided, single submitter. Criteria: Invitae Variant Classification Sherloc (09022015). Collection method: clinical testing. Allele origin: germline.
Comment: This sequence change replaces arginine, which is basic and polar, with cysteine, which is neutral and slightly polar, at codon 881 of the MAGEL2 protein (p.Arg881Cys). This variant is present in population databases (rs372275206, gnomAD 0.02%). This variant has not been reported in the literature in individuals affected with MAGEL2-related conditions. ClinVar contains an entry for this variant (Variation ID: 2644983). Advanced modeling of protein sequence and biophysical properties (such as structural, functional, and spatial information, amino acid conservation, physicochemical variation, residue mobility, and thermodynamic stability) performed at Invitae indicates that this missense variant is not expected to disrupt MAGEL2 protein function with a negative predictive value of 80%. In summary, the available evidence is currently insufficient to determine the role of this variant in disease. Therefore, it has been classified as a Variant of Uncertain Significance.

Ambry Genetics
Classification: Likely benign for Inborn genetic diseases. Last evaluated: 2023-10-13. Review status: criteria provided, single submitter. Criteria: Ambry Variant Classification Scheme 2023. Collection method: clinical testing. Allele origin: germline.

CeGaT Center for Human Genetics Tuebingen
Classification: Likely benign. Last evaluated: 2023-09-01. Review status: criteria provided, single submitter. Criteria: CeGaT Center For Human Genetics Tuebingen Variant Classification Criteria Version 2. Collection method: clinical testing. Allele origin: germline. Affected: yes. Observed: 1 variant allele.
Comment: MAGEL2: BP4

PreventionGenetics, part of Exact Sciences
Classification: Uncertain significance for MAGEL2-related condition. Last evaluated: 2024-02-21. Review status: no assertion criteria provided. Collection method: clinical testing. Allele origin: germline. Not counted in ClinVar's aggregate classification.
Comment: The MAGEL2 c.2641C>T variant is predicted to result in the amino acid substitution p.Arg881Cys. To our knowledge, this variant has not been reported in the literature. This variant is reported in 0.019% of alleles in individuals of African descent in gnomAD. Although we suspect that this variant may be benign, at this time, the clinical significance of this variant is uncertain due to the absence of conclusive functional and genetic evidence.

NM_019066.5(MAGEL2):c.2641C>T (p.Arg881Cys)

Gene: MAGEL2 (MAGE family member L2; minus strand). Cytogenetic location: 15q11.2.
Variant type: single nucleotide variant.
Coding change: c.2641C>T on transcript NM_019066.5 (MANE Select); coding-DNA position 2641, C replaced by T.
Protein change: p.Arg881Cys; replaces arginine 881 with cysteine.
Molecular consequence: missense variant.
Genome position (GRCh38, 1-based): chr15:23,645,102, G>A on the plus strand (C>T on the coding strand, the complement: MAGEL2 is on the minus strand). VCF-style: chr15-23645102-G-A. GRCh37 (hg19) VCF-style: chr15-23890249-G-A.
Other names: c.2641C>T (NM_019066.4); short protein forms R881C.
Identifiers: ClinVar variation 2644983 (VCV002644983.28), dbSNP rs372275206, ClinGen allele CA7429852.